The following is an entry in ClinVar:

NM_001433706.1(NLRP8):c.2159dup (p.Leu720fs)

Gene: NLRP8 (NLR family pyrin domain containing 8; plus strand). Cytogenetic location: 19q13.43.
Variant type: Duplication.
Coding change: c.2159dup on transcript NM_001433706.1 (MANE Select); coding-DNA position 2159, one base duplicated (T; older notation c.2159dupT).
Protein change: p.Leu720fs; shifts the reading frame from leucine 720.
Molecular consequence: frameshift variant.
Genome position (GRCh38, 1-based): chr19:55,962,183, T duplicated; the last of 6 consecutive T bases (chr19:55,962,178-55,962,183); duplicating any one gives the same sequence. VCF-style (leftmost placement, unchanged base first): chr19-55962177-C-CT. GRCh37 (hg19) VCF-style: chr19-56473543-C-CT.
Other names: NM_176811.2:c.2153_2154insT; c.2159dup, p.Leu720fs (NM_001317000.1); short protein forms L720fs.
Identifiers: ClinVar variation 103323 (VCV000103323.2), dbSNP rs199475839, ClinGen allele CA230416.

ClinVar aggregate classification (germline): not provided (0 of 4 stars; one submission).

Submission:

Human Evolutionary Genetics, Institut Pasteur
No classification provided. Review status: no classification provided. Collection method: not provided. Allele origin: germline.
ClinVar note: Converted during submission from untested to not provided.